The following is an entry in ClinVar:

NM_000390.4(CHM):c.1879G>A (p.Glu627Lys)

Gene: CHM (CHM Rab escort protein; minus strand). Cytogenetic location: Xq21.2.
Variant type: single nucleotide variant.
Coding change: c.1879G>A on transcript NM_000390.4 (MANE Select); coding-DNA position 1879, G replaced by A.
Protein change: p.Glu627Lys; replaces glutamic acid 627 with lysine.
Molecular consequence: missense variant.
Genome position (GRCh38, 1-based): chrX:85,864,713, C>T on the plus strand (G>A on the coding strand, the complement: CHM is on the minus strand). VCF-style: chrX-85864713-C-T. GRCh37 (hg19) VCF-style: chrX-85119718-C-T.
Other names: c.1435G>A, p.Glu479Lys (NM_001320959.1, NM_001362517.1, NM_001362518.2 and 1 more transcripts); short protein forms E627K, E479K.
Identifiers: ClinVar variation 1395902 (VCV001395902.6), dbSNP rs2148111922, ClinGen allele CA413785062.

ClinVar aggregate classification (germline): Uncertain significance (1 of 4 stars; one submission).

Submission:

Labcorp Genetics (formerly Invitae), Labcorp
Classification: Uncertain significance. Last evaluated: 2022-05-10. Review status: criteria provided, single submitter. Criteria: Invitae Variant Classification Sherloc (09022015). Collection method: clinical testing. Allele origin: germline.
Comment: Algorithms developed to predict the effect of missense changes on protein structure and function are either unavailable or do not agree on the potential impact of this missense change (SIFT: "Tolerated"; PolyPhen-2: "Probably Damaging"; Align-GVGD: "Class C0"). This sequence change replaces glutamic acid, which is acidic and polar, with lysine, which is basic and polar, at codon 627 of the CHM protein (p.Glu627Lys). This variant is not present in population databases (gnomAD no frequency). This variant has not been reported in the literature in individuals affected with CHM-related conditions. In summary, the available evidence is currently insufficient to determine the role of this variant in disease. Therefore, it has been classified as a Variant of Uncertain Significance.